The following is an entry in ClinVar:

NM_001384140.1(PCDH15):c.2539G>A (p.Asp847Asn)

Gene: PCDH15 (protocadherin related 15; minus strand). Cytogenetic location: 10q21.1.
Variant type: single nucleotide variant.
Coding change: c.2539G>A on transcript NM_001384140.1 (MANE Select); coding-DNA position 2539, G replaced by A.
Protein change: p.Asp847Asn; replaces aspartic acid 847 with asparagine.
Molecular consequence: missense variant.
Genome position (GRCh38, 1-based): chr10:54,020,404, C>T on the plus strand (G>A on the coding strand, the complement: PCDH15 is on the minus strand). VCF-style: chr10-54020404-C-T. GRCh37 (hg19) VCF-style: chr10-55780164-C-T.
Other names: NM_001384140.1(PCDH15):c.2539G>A; p.Asp847Asn; c.2539G>A, p.Asp847Asn (NM_001142764.2, NM_001142766.2, NM_001142770.3 and 5 more transcripts); c.2326G>A, p.Asp776Asn (NM_001142765.2); c.2428G>A, p.Asp810Asn (NM_001142767.2); c.2473G>A, p.Asp825Asn (NM_001142768.2, NM_001142773.2, NM_001354404.2); c.2575G>A, p.Asp859Asn (NM_001142769.4); c.2554G>A, p.Asp852Asn (NM_001142771.2, NM_001142763.2); and 1 more; short protein forms D847N, D776N, D810N, D854N, D852N, D859N, D825N.
Identifiers: ClinVar variation 300189 (VCV000300189.10), dbSNP rs751941551, ClinGen allele CA5505988.
Genomic context (GRCh38, chr10:54,020,404, plus strand): 5'-GTGCAAAAAAGTGCTTCACTTCTGGGCTTCTTATCCGGTAAGACACATTTGCTCCAAGGT[C>T]GACATCTTTGGCCTGTAATAAGCAGAAGAATAGTTTTATTAGTGACGTTACCAAAATAAA-3'
Protein context (NP_001371069.1, residues 837-857): TILQIEAKDV[Asp847Asn]LGANVSYRIR

ClinVar aggregate classification (germline): Uncertain significance. Review status: criteria provided, multiple submitters, no conflicts (2 of 4 stars). 6 submissions from 6 submitters: Uncertain significance (6). Last evaluated 2026-06-10.

Conditions:
PCDH15-related disorder. Also called: PCDH15-related condition; PCDH15-related disorders.
Usher syndrome type 1F (USH1F). Also called: USHER SYNDROME, TYPE IF. Identifiers: Orphanet 231169, Orphanet 886, MedGen C1865885, MONDO:0011186, OMIM 602083.
Usher syndrome type 1 (USH1). Also called: RETINITIS PIGMENTOSA AND CONGENITAL DEAFNESS. Identifiers: Orphanet 231169, Orphanet 886, MedGen C1568247, MONDO:0010168, OMIM 276900.

Allele frequency attached by ClinVar (database versions not stated): ExAC 0.00001; gnomAD 0.00001; gnomAD exomes 0.00001; TOPMed 0.00002.
gnomAD v4.1: 23 of 1,613,438 alleles (0.0014%); highest among the groups gnomAD compares: African/African-American, 0.0027%; no homozygotes.

Submissions (6):

PreventionGenetics, part of Exact Sciences
Classification: Uncertain significance for PCDH15-related condition. Last evaluated: 2026-06-10. Review status: criteria provided, single submitter. Criteria: ACMG Guidelines, 2015. Collection method: clinical testing. Allele origin: germline.
Comment: The PCDH15 c.2539G>A variant is predicted to result in the amino acid substitution p.Asp847Asn. This variant (also described as p.Asp852Asn) was reported along with a multi-exon deletion in a patient with hearing loss (Table S3, Sloan-Heggen et al. 2016. PubMed ID: 26969326). This variant is reported in 0.0040% of alleles in individuals of African descent in gnomAD. Although we suspect that this variant may be pathogenic, at this time, the clinical significance of this variant is uncertain due to the absence of conclusive functional and genetic evidence.

GeneDx
Classification: Uncertain significance. Last evaluated: 2025-03-23. Review status: criteria provided, single submitter. Criteria: GeneDx Variant Classification Process June 2021. Collection method: clinical testing. Allele origin: germline. Affected: yes.
Comment: Observed with a second PCDH15 variant in a patient with hearing loss in published literature, reported as c.2554G>A, p.Asp852Asn, but it is not known whether the variants occurred on the same (in cis) or on different (in trans) chromosomes (PMID: 26969326); Not observed at significant frequency in large population cohorts (gnomAD); In silico analysis supports that this missense variant has a deleterious effect on protein structure/function; This variant is associated with the following publications: (PMID: 26969326)

Labcorp Genetics (formerly Invitae), Labcorp
Classification: Uncertain significance. Last evaluated: 2024-02-23. Review status: criteria provided, single submitter. Criteria: Invitae Variant Classification Sherloc (09022015). Collection method: clinical testing. Allele origin: germline.
Comment: This sequence change replaces aspartic acid, which is acidic and polar, with asparagine, which is neutral and polar, at codon 847 of the PCDH15 protein (p.Asp847Asn). This variant is present in population databases (rs751941551, gnomAD 0.004%). This missense change has been observed in individual(s) with non-syndromic hearing loss (PMID: 26969326). ClinVar contains an entry for this variant (Variation ID: 300189). Advanced modeling of protein sequence and biophysical properties (such as structural, functional, and spatial information, amino acid conservation, physicochemical variation, residue mobility, and thermodynamic stability) performed at Invitae indicates that this missense variant is expected to disrupt PCDH15 protein function with a positive predictive value of 80%. In summary, the available evidence is currently insufficient to determine the role of this variant in disease. Therefore, it has been classified as a Variant of Uncertain Significance.

Broad Center for Mendelian Genomics, Broad Institute of MIT and Harvard
Classification: Uncertain significance for Usher syndrome type 1F. Last evaluated: 2023-01-24. Review status: criteria provided, single submitter. Criteria: ACMG Guidelines, 2015. Collection method: curation. Allele origin: germline. Inheritance: Autosomal recessive inheritance.
Comment: The p.Asp847Asn variant in PCDH15 has been reported in 1 individual, in the compound heterozygous state, with Usher syndrome type 1F (PMID: 26969326) and has been identified in 0.004% (1/24952) of African/African American chromosomes by the Genome Aggregation Database (gnomAD; dbSNP ID: rs751941551). Although this variant has been seen in the general population in a heterozygous state, its frequency is low enough to be consistent with a recessive carrier frequency. This variant has also been reported in ClinVar (Variation ID#: 300189) and has been interpreted as a variant of uncertain significance by Illumina Laboratory Services (Illumina). Computational prediction tools and conservation analyses suggest that this variant may impact the protein, though this information is not predictive enough to determine pathogenicity. In summary, the clinical significance of the p.Asp847Asn variant is uncertain. ACMG/AMP Criteria applied: PP3, PM2_supporting (Richards 2015).

Blueprint Genetics
Classification: Uncertain significance. Last evaluated: 2019-01-23. Review status: criteria provided, single submitter. Criteria: ACMG Guidelines, 2015. Collection method: clinical testing. Allele origin: germline.

Illumina Laboratory Services, Illumina
Classification: Uncertain significance for Usher syndrome type 1. Last evaluated: 2018-01-13. Review status: criteria provided, single submitter. Criteria: ICSL Variant Classification Criteria 13 December 2019. Collection method: clinical testing. Allele origin: germline.

Literature cited by the submitters: PubMed 26969326 (cited by Labcorp Genetics (formerly Invitae), Labcorp).